The following is an entry in ClinVar:

NM_020987.5(ANK3):c.8407G>T (p.Asp2803Tyr)

Gene: ANK3 (ankyrin 3; minus strand). Cytogenetic location: 10q21.2.
Variant type: single nucleotide variant.
Coding change: c.8407G>T on transcript NM_020987.5 (MANE Select); coding-DNA position 8407, G replaced by T.
Protein change: p.Asp2803Tyr; replaces aspartic acid 2803 with tyrosine.
Molecular consequence: missense variant. On other transcripts: intron variant (4).
Genome position (GRCh38, 1-based): chr10:60,072,474, C>A on the plus strand (G>T on the coding strand, the complement: ANK3 is on the minus strand). VCF-style: chr10-60072474-C-A. GRCh37 (hg19) VCF-style: chr10-61832232-C-A.
Other names: c.4388-4465G>T (NM_001204403.2); c.4409-4465G>T (NM_001204404.2); c.4406-4465G>T (NM_001320874.2); c.1808-4465G>T (NM_001149.4); short protein forms D2803Y.
Identifiers: ClinVar variation 5010070 (VCV005010070.1).
Genomic context (GRCh38, chr10:60,072,474, plus strand): 5'-CAGGCATTGCTTTACTTGACATTTCAGTTCTCTGTTTTTTCACATTATCAGAGCCAGAAT[C>A]ATTTACAACAATTTCGTTGCTTTGGGCATGCTCATCTTTGGTTTTTAATACCATAAAATC-3'
Protein context (NP_066267.2, residues 2793-2813): HAQSNEIVVN[Asp2803Tyr]SGSDNVKKQR

ClinVar aggregate classification (germline): Uncertain significance (1 of 4 stars; one submission).

Submission:

GeneDx
Classification: Uncertain significance. Last evaluated: 2026-02-23. Review status: criteria provided, single submitter. Criteria: GeneDx Variant Classification Process June 2021. Collection method: clinical testing. Allele origin: germline.
Comment: Not observed at significant frequency in large population cohorts (gnomAD); In silico analysis suggests that this missense variant does not alter protein structure/function; Has not been previously published as pathogenic or benign to our knowledge